The following is an entry in ClinVar:

ClinVar aggregate classification (germline): Conflicting classifications of pathogenicity. Review status: criteria provided, conflicting classifications (1 of 4 stars). 6 submissions from 6 submitters: Uncertain significance (3); Benign (1); Likely benign (1). 1 of the submissions does not count toward it. Last evaluated 2026-01-26.

Conditions:
COL11A1-related disorder. Also called: COL11A1-related condition; COL11A1-related disorders.
Inborn genetic diseases. Identifiers: MedGen C0950123, MeSH D030342.

Allele frequency attached by ClinVar (database versions not stated): gnomAD exomes 0.00010 and 0.00016; gnomAD 0.00015 and 0.00018; 1000 Genomes Project 30x 0.00016; ExAC 0.00016; 1000 Genomes Project 0.00020; TOPMed 0.00022; ESP Exome Variant Server 0.00031.
gnomAD v4.1: 174 of 1,613,314 alleles (0.011%); highest among the groups gnomAD compares: Middle Eastern, 0.099%; 1 homozygote.

Submissions (6):

Women's Health and Genetics/Laboratory Corporation of America, LabCorp
Classification: Uncertain significance. Last evaluated: 2026-01-26. Review status: criteria provided, single submitter. Criteria: LabCorp Variant Classification Summary - May 2015. Collection method: clinical testing. Allele origin: germline.
Comment: Variant summary: COL11A1 c.146A>G (p.Asn49Ser) results in a conservative amino acid change in the encoded protein sequence. Algorithms developed to predict the effect of missense changes on protein structure and function are either unavailable or do not agree on the potential impact of this missense change. The variant allele was found at a frequency of 0.00016 in 250700 control chromosomes. This frequency is not significantly higher than estimated for disease-causing variants in COL11A1, allowing no conclusion about variant significance. To our knowledge, no occurrence of c.146A>G in individuals affected with COL11A1-related conditions and no experimental evidence demonstrating its impact on protein function have been reported. ClinVar contains an entry for this variant (Variation ID: 452445). Based on the evidence outlined above, the variant was classified as uncertain significance.

Labcorp Genetics (formerly Invitae), Labcorp
Classification: Likely benign. Last evaluated: 2026-01-24. Review status: criteria provided, single submitter. Criteria: Invitae Variant Classification Sherloc (09022015). Collection method: clinical testing. Allele origin: germline.

GeneDx
Classification: Uncertain significance. Last evaluated: 2025-05-12. Review status: criteria provided, single submitter. Criteria: GeneDx Variant Classification Process June 2021. Collection method: clinical testing. Allele origin: germline. Affected: yes.
Comment: In silico analysis suggests that this missense variant does not alter protein structure/function; Has not been previously published as pathogenic or benign to our knowledge; Not located in the triple helical region, where the majority of pathogenic missense variants occur (HGMD; PMID: 25240749); This variant is associated with the following publications: (PMID: 25240749)

Blueprint Genetics
Classification: Benign. Last evaluated: 2024-11-23. Review status: criteria provided, single submitter. Criteria: ACMG Guidelines, 2015. Collection method: clinical testing. Allele origin: germline.

Ambry Genetics
Classification: Uncertain significance for Inborn genetic diseases. Last evaluated: 2021-08-17. Review status: criteria provided, single submitter. Criteria: Ambry Variant Classification Scheme 2023. Collection method: clinical testing. Allele origin: germline.

PreventionGenetics, part of Exact Sciences
Classification: Likely benign for COL11A1-related condition. Last evaluated: 2022-08-06. Review status: no assertion criteria provided. Collection method: clinical testing. Allele origin: germline. Not counted in ClinVar's aggregate classification.
Comment: This variant is classified as likely benign based on ACMG/AMP sequence variant interpretation guidelines (Richards et al. 2015 PMID: 25741868, with internal and published modifications).

NM_001854.4(COL11A1):c.146A>G (p.Asn49Ser)

Gene: COL11A1 (collagen type XI alpha 1 chain; minus strand). Cytogenetic location: 1p21.1.
Variant type: single nucleotide variant.
Coding change: c.146A>G on transcript NM_001854.4 (MANE Select); coding-DNA position 146, A replaced by G.
Protein change: p.Asn49Ser; replaces asparagine 49 with serine.
Molecular consequence: missense variant. On other transcripts: non-coding transcript variant (1).
Genome position (GRCh38, 1-based): chr1:103,082,933, T>C on the plus strand (A>G on the coding strand, the complement: COL11A1 is on the minus strand). VCF-style: chr1-103082933-T-C. GRCh37 (hg19) VCF-style: chr1-103548489-T-C.
Other names: c.146A>G, p.Asn49Ser (NM_001190709.2, NM_080629.3, NM_080630.4); short protein forms N49S.
Identifiers: ClinVar variation 452445 (VCV000452445.21), dbSNP rs145159429, ClinGen allele CA975542.